The following is an entry in ClinVar:

ClinVar aggregate classification (germline): Pathogenic (1 of 4 stars; one submission).

Conditions:
Arrhythmogenic right ventricular dysplasia 9 (ARVD9). Also called: Arrhythmogenic Right Ventricular Dysplasia/Cardiomyopathy 9; ARRHYTHMOGENIC RIGHT VENTRICULAR DYSPLASIA, FAMILIAL, 9. Identifiers: MedGen C1836906, MONDO:0012180, OMIM 609040.

Submission:

Labcorp Genetics (formerly Invitae), Labcorp
Classification: Pathogenic for Arrhythmogenic right ventricular dysplasia 9. Last evaluated: 2025-12-02. Review status: criteria provided, single submitter. Criteria: Invitae Variant Classification Sherloc (09022015). Collection method: clinical testing. Allele origin: germline.
Comment: This sequence change creates a premature translational stop signal (p.Glu9Aspfs*78) in the PKP2 gene. It is expected to result in an absent or disrupted protein product. Loss-of-function variants in PKP2 are known to be pathogenic (PMID: 15489853, 17041889, 23911551). This variant is not present in population databases (gnomAD no frequency). This variant has not been reported in the literature in individuals affected with PKP2-related conditions. For these reasons, this variant has been classified as Pathogenic.

Literature cited by the submitters: PubMed 15489853; PubMed 17041889; PubMed 23911551.

NM_001005242.3(PKP2):c.26_27insCCCT (p.Glu9fs)

Gene: PKP2 (plakophilin 2; minus strand). Cytogenetic location: 12p11.21.
Variant type: Insertion.
Coding change: c.26_27insCCCT on transcript NM_001005242.3 (MANE Select); coding-DNA positions 26 to 27, CCCT inserted.
Protein change: p.Glu9fs; shifts the reading frame from glutamic acid 9.
Molecular consequence: frameshift variant. On other transcripts: 5 prime UTR variant (4).
Genome position: GRCh38 VCF-style: chr12-32896705-C-CAGGG. GRCh37 (hg19) VCF-style: chr12-33049639-C-CAGGG.
Other names: c.26_27insCCCT, p.Glu9fs (NM_001407155.1, NM_001407156.1, NM_001407157.1 and 2 more transcripts); c.-801_-800insCCCT (NM_001407158.1, NM_001407162.1); c.-565_-564insCCCT (NM_001407159.1, NM_001407160.1); short protein forms E9fs.
Identifiers: ClinVar variation 4732395 (VCV004732395.1).